The following is an entry in ClinVar:

ClinVar aggregate classification (germline): Uncertain significance (1 of 4 stars; one submission).

Conditions:
Hereditary spastic paraplegia 3A (SPG3A). Also called: Spastic paraplegia 3A, autosomal dominant; SPASTIC PARAPLEGIA 3, AUTOSOMAL DOMINANT; FAMILIAL SPASTIC PARAPLEGIA, AUTOSOMAL DOMINANT, 1; SPG3; STRUMPELL DISEASE; Spastic Paraplegia 3A. Identifiers: Orphanet 100984, MedGen C2931355, MONDO:0008437, OMIM 182600.

Submission:

Labcorp Genetics (formerly Invitae), Labcorp
Classification: Uncertain significance for Hereditary spastic paraplegia 3A. Last evaluated: 2023-02-10. Review status: criteria provided, single submitter. Criteria: Invitae Variant Classification Sherloc (09022015). Collection method: clinical testing. Allele origin: germline.
Comment: This sequence change replaces glutamine, which is neutral and polar, with proline, which is neutral and non-polar, at codon 420 of the ATL1 protein (p.Gln420Pro). This variant is not present in population databases (gnomAD no frequency). This variant has not been reported in the literature in individuals affected with ATL1-related conditions. Advanced modeling of protein sequence and biophysical properties (such as structural, functional, and spatial information, amino acid conservation, physicochemical variation, residue mobility, and thermodynamic stability) performed at Invitae indicates that this missense variant is not expected to disrupt ATL1 protein function. In summary, the available evidence is currently insufficient to determine the role of this variant in disease. Therefore, it has been classified as a Variant of Uncertain Significance.

NM_015915.5(ATL1):c.1259A>C (p.Gln420Pro)

Gene: ATL1 (atlastin GTPase 1; plus strand). Cytogenetic location: 14q22.1.
Variant type: single nucleotide variant.
Coding change: c.1259A>C on transcript NM_015915.5 (MANE Select); coding-DNA position 1259, A replaced by C.
Protein change: p.Gln420Pro; replaces glutamine 420 with proline.
Molecular consequence: missense variant.
Genome position (GRCh38, 1-based): chr14:50,628,170, A>C. VCF-style: chr14-50628170-A-C. GRCh37 (hg19) VCF-style: chr14-51094888-A-C.
Other names: c.1259A>C, p.Gln420Pro (NM_001127713.1, NM_181598.4); short protein forms Q420P.
Identifiers: ClinVar variation 2910353 (VCV002910353.3), dbSNP rs143038913, ClinGen allele CA389675881.